The following is an entry in ClinVar:

NM_006662.3(SRCAP):c.2894C>T (p.Pro965Leu)

Gene: SRCAP (Snf2 related CREBBP activator protein; plus strand). Cytogenetic location: 16p11.2.
Variant type: single nucleotide variant.
Coding change: c.2894C>T on transcript NM_006662.3 (MANE Select); coding-DNA position 2894, C replaced by T.
Protein change: p.Pro965Leu; replaces proline 965 with leucine.
Molecular consequence: missense variant.
Genome position (GRCh38, 1-based): chr16:30,720,238, C>T. VCF-style: chr16-30720238-C-T. GRCh37 (hg19) VCF-style: chr16-30731559-C-T.
Other names: c.2894C>T (NM_006662.2); short protein forms P965L.
Identifiers: ClinVar variation 2977077 (VCV002977077.4), dbSNP rs149854655, ClinGen allele CA8011343.
Genomic context (GRCh38, chr16:30,720,238, plus strand): 5'-GATTTGACCTTATTGGCCTGGAAGGTCGTGTCTCTCGATATGAGGCAGACACATTTCTGC[C>T]CCGGCACCGCCTCTCTCGCCGGGTACTGTTAGAAGTGGCTACTGCTCCTGACCCCCCACC-3'
Protein context (NP_006653.2, residues 955-975): VSRYEADTFL[Pro965Leu]RHRLSRRVLL

ClinVar aggregate classification (germline): Uncertain significance. Review status: criteria provided, multiple submitters, no conflicts (2 of 4 stars). 2 submissions from 2 submitters: Uncertain significance (2). Last evaluated 2025-12-15.

Conditions:
Inborn genetic diseases. Identifiers: MedGen C0950123, MeSH D030342.

Allele frequency attached by ClinVar (database versions not stated): TOPMed below 0.00001; gnomAD 0.00001; gnomAD exomes 0.00001; ExAC 0.00002; ESP Exome Variant Server 0.00008.
gnomAD v4.1: 17 of 1,613,890 alleles (0.0011%); highest among the groups gnomAD compares: Admixed American, 0.0017%; no homozygotes.

Submissions (2):

Ambry Genetics
Classification: Uncertain significance for Inborn genetic diseases. Last evaluated: 2025-12-15. Review status: criteria provided, single submitter. Criteria: Ambry Variant Classification Scheme 2023. Collection method: clinical testing. Allele origin: germline.

Labcorp Genetics (formerly Invitae), Labcorp
Classification: Uncertain significance. Last evaluated: 2025-03-03. Review status: criteria provided, single submitter. Criteria: Invitae Variant Classification Sherloc (09022015). Collection method: clinical testing. Allele origin: germline.
Comment: This sequence change replaces proline, which is neutral and non-polar, with leucine, which is neutral and non-polar, at codon 965 of the SRCAP protein (p.Pro965Leu). This variant is present in population databases (rs149854655, gnomAD 0.003%). This variant has not been reported in the literature in individuals affected with SRCAP-related conditions. ClinVar contains an entry for this variant (Variation ID: 2977077). Invitae Evidence Modeling of protein sequence and biophysical properties (such as structural, functional, and spatial information, amino acid conservation, physicochemical variation, residue mobility, and thermodynamic stability) indicates that this missense variant is not expected to disrupt SRCAP protein function with a negative predictive value of 80%. In summary, the available evidence is currently insufficient to determine the role of this variant in disease. Therefore, it has been classified as a Variant of Uncertain Significance.